The following is an entry in ClinVar:

NM_004289.7(NFE2L3):c.932A>G (p.Gln311Arg)

Genes: HNRNPA2B1 (heterogeneous nuclear ribonucleoprotein A2/B1; minus strand), NFE2L3 (NFE2 like bZIP transcription factor 3; plus strand). Cytogenetic location: 7p15.2.
Variant type: single nucleotide variant.
Coding change: c.932A>G on transcript NM_004289.7 (MANE Select); coding-DNA position 932, A replaced by G.
Protein change: p.Gln311Arg; replaces glutamine 311 with arginine.
Molecular consequence: missense variant.
Genome position (GRCh38, 1-based): chr7:26,184,630, A>G. VCF-style: chr7-26184630-A-G. GRCh37 (hg19) VCF-style: chr7-26224250-A-G.
Other names: short protein forms Q311R.
Identifiers: ClinVar variation 2498230 (VCV002498230.26), dbSNP rs148235978, ClinGen allele CA4193856.

ClinVar aggregate classification (germline): Likely benign. Review status: criteria provided, multiple submitters, no conflicts (2 of 4 stars). 3 submissions from 3 submitters: Likely benign (2). 1 of the submissions does not count toward it. Last evaluated 2026-05-01.

Conditions:
Keratoconus (KC). Identifiers: MedGen C0022578, MeSH D007640, MONDO:0015486, HP:0000563.

Allele frequency attached by ClinVar (database versions not stated): 1000 Genomes Project 0.00040; 1000 Genomes Project 30x 0.00047; TOPMed 0.00295; gnomAD 0.00301; ExAC 0.00311; ESP Exome Variant Server 0.00384; gnomAD exomes 0.00590.
gnomAD v4.1: 8,986 of 1,613,964 alleles (0.56%); highest among the groups gnomAD compares: Non-Finnish European, 0.72%; 23 homozygotes.

Submissions (3):

CeGaT Center for Human Genetics Tuebingen
Classification: Likely benign. Last evaluated: 2026-05-01. Review status: criteria provided, single submitter. Criteria: CeGaT Center For Human Genetics Tuebingen Variant Classification Criteria Version 2. Collection method: clinical testing. Allele origin: germline. Affected: yes. Observed: 3 variant alleles.
Comment: HNRNPA2B1: BS2; NFE2L3: BP4, BS2

Mendelics
Classification: Likely benign for Keratoconus. Last evaluated: 2025-02-07. Review status: criteria provided, single submitter. Criteria: ACMG Guidelines, 2015. Collection method: clinical testing. Allele origin: unknown.
Comment: This variant is considered likely benign or benign based on one or more of the following: it is predicted to be benign by multiple in silico algorithms, and/or has population frequency not consistent with disease, and/or has normal protein function, and/or has lack of segregation with disease, and/or has been detected in co-occurrence with known pathogenic variant, and/or has lack of disease association in case-control studies, and/or is located in a region inconsistent with a known cause of pathogenicity. GnomAD 4.1.0 frequency 0.005568 23 homozygotes. Predictors: benign. Frequency in internal database for tests positives for other diseases.

Institute of Human Genetics, Polish Academy of Sciences
Classification: Uncertain significance for Keratoconus. Last evaluated: 2023-04-01. Review status: no assertion criteria provided. Collection method: research. Allele origin: unknown. Affected: yes. Observed: 2 variant alleles. Not counted in ClinVar's aggregate classification.

Literature cited by the submitters: DOI 10.3389/fimmu.2023.1197054 (cited by Institute of Human Genetics, Polish Academy of Sciences).